The following is an entry in ClinVar:

NM_000548.5(TSC2):c.5058G>T (p.Gln1686His)

Gene: TSC2 (TSC complex subunit 2; plus strand). Cytogenetic location: 16p13.3.
Variant type: single nucleotide variant.
Coding change: c.5058G>T on transcript NM_000548.5 (MANE Select); coding-DNA position 5058, G replaced by T.
Protein change: p.Gln1686His; replaces glutamine 1686 with histidine.
Molecular consequence: missense variant.
Genome position (GRCh38, 1-based): chr16:2,087,931, G>T. VCF-style: chr16-2087931-G-T. GRCh37 (hg19) VCF-style: chr16-2137932-G-T.
Other names: c.4857G>T, p.Gln1619His (NM_001077183.3); c.4989G>T, p.Gln1663His (NM_001114382.3); c.4749G>T, p.Gln1583His (NM_001318827.2); c.4713G>T, p.Gln1571His (NM_001318829.2); c.4326G>T, p.Gln1442His (NM_001318831.2); c.4890G>T, p.Gln1630His (NM_001318832.2); c.4860G>T, p.Gln1620His (NM_001363528.2); c.4926G>T, p.Gln1642His (NM_001370404.1); and 1 more; short protein forms Q1583H, Q1642H, Q1663H, Q1442H, Q1571H, Q1619H, Q1620H, Q1630H.
Identifiers: ClinVar variation 958792 (VCV000958792.10), dbSNP rs200700923, ClinGen allele CA394311647.

ClinVar aggregate classification (germline): Uncertain significance. Review status: criteria provided, multiple submitters, no conflicts (2 of 4 stars). 2 submissions from 2 submitters: Uncertain significance (2). Last evaluated 2024-06-22.

Conditions:
Hereditary cancer-predisposing syndrome. Also called: Hereditary neoplastic syndrome; Tumor predisposition; Neoplastic Syndromes, Hereditary; Hereditary Cancer Syndrome. Identifiers: Orphanet 140162, MedGen C0027672, MeSH D009386, MONDO:0015356.
Tuberous sclerosis 2 (TSC2). Identifiers: Orphanet 805, MedGen C1860707, MONDO:0013199, OMIM 613254.

Submissions (2):

Ambry Genetics
Classification: Uncertain significance for Hereditary cancer-predisposing syndrome. Last evaluated: 2024-06-22. Review status: criteria provided, single submitter. Criteria: Ambry Variant Classification Scheme 2023. Collection method: clinical testing. Allele origin: germline.
Comment: The p.Q1686H variant (also known as c.5058G>T), located in coding exon 38 of the TSC2 gene, results from a G to T substitution at nucleotide position 5058. The glutamine at codon 1686 is replaced by histidine, an amino acid with highly similar properties. This amino acid position is conserved. In addition, this alteration is predicted to be deleterious by in silico analysis. Based on the available evidence, the clinical significance of this variant remains unclear.

Labcorp Genetics (formerly Invitae), Labcorp
Classification: Uncertain significance for Tuberous sclerosis 2. Last evaluated: 2020-01-19. Review status: criteria provided, single submitter. Criteria: Invitae Variant Classification Sherloc (09022015). Collection method: clinical testing. Allele origin: germline.
Comment: This sequence change replaces glutamine with histidine at codon 1686 of the TSC2 protein (p.Gln1686His). The glutamine residue is highly conserved and there is a small physicochemical difference between glutamine and histidine. This variant is not present in population databases (ExAC no frequency). This variant has not been reported in the literature in individuals with TSC2-related conditions. Algorithms developed to predict the effect of missense changes on protein structure and function are either unavailable or do not agree on the potential impact of this missense change (SIFT: "Deleterious"; PolyPhen-2: "Probably Damaging"; Align-GVGD: "Class C0"). In summary, the available evidence is currently insufficient to determine the role of this variant in disease. Therefore, it has been classified as a Variant of Uncertain Significance.